The following is an entry in ClinVar:

NM_006231.4(POLE):c.3998T>C (p.Ile1333Thr)

Gene: POLE (DNA polymerase epsilon, catalytic subunit; minus strand). Cytogenetic location: 12q24.33.
Variant type: single nucleotide variant.
Coding change: c.3998T>C on transcript NM_006231.4 (MANE Select); coding-DNA position 3998, T replaced by C.
Protein change: p.Ile1333Thr; replaces isoleucine 1333 with threonine.
Molecular consequence: missense variant.
Genome position (GRCh38, 1-based): chr12:132,649,313, A>G on the plus strand (T>C on the coding strand, the complement: POLE is on the minus strand). VCF-style: chr12-132649313-A-G. GRCh37 (hg19) VCF-style: chr12-133225899-A-G.
Other names: c.3998T>C (NM_006231.2); short protein forms I1333T.
Identifiers: ClinVar variation 2985775 (VCV002985775.4), dbSNP rs2042361923, ClinGen allele CA387384636.

ClinVar aggregate classification (germline): Uncertain significance. Review status: criteria provided, multiple submitters, no conflicts (2 of 4 stars). 2 submissions from 2 submitters: Uncertain significance (2). Last evaluated 2025-11-05.

Conditions:
Hereditary cancer-predisposing syndrome. Also called: Tumor predisposition; Hereditary neoplastic syndrome; Hereditary Cancer Syndrome; Neoplastic Syndromes, Hereditary. Identifiers: Orphanet 140162, MedGen C0027672, MeSH D009386, MONDO:0015356.

Allele frequency attached by ClinVar (database versions not stated): TOPMed 0.00001.

Submissions (2):

Labcorp Genetics (formerly Invitae), Labcorp
Classification: Uncertain significance. Last evaluated: 2025-11-05. Review status: criteria provided, single submitter. Criteria: Invitae Variant Classification Sherloc (09022015). Collection method: clinical testing. Allele origin: germline.
Comment: This sequence change replaces isoleucine, which is neutral and non-polar, with threonine, which is neutral and polar, at codon 1333 of the POLE protein (p.Ile1333Thr). This variant is not present in population databases (gnomAD no frequency). This variant has not been reported in the literature in individuals affected with POLE-related conditions. ClinVar contains an entry for this variant (Variation ID: 2985775). Invitae Evidence Modeling of protein sequence and biophysical properties (such as structural, functional, and spatial information, amino acid conservation, physicochemical variation, residue mobility, and thermodynamic stability) has been performed for this missense variant. However, the output from this modeling did not meet the statistical confidence thresholds required to predict the impact of this variant on POLE protein function. In summary, the available evidence is currently insufficient to determine the role of this variant in disease. Therefore, it has been classified as a Variant of Uncertain Significance.

Ambry Genetics
Classification: Uncertain significance for Hereditary cancer-predisposing syndrome. Last evaluated: 2024-03-09. Review status: criteria provided, single submitter. Criteria: Ambry Variant Classification Scheme 2023. Collection method: clinical testing. Allele origin: germline.
Comment: The p.I1333T variant (also known as c.3998T>C), located in coding exon 31 of the POLE gene, results from a T to C substitution at nucleotide position 3998. The isoleucine at codon 1333 is replaced by threonine, an amino acid with similar properties. This amino acid position is conserved. In addition, the in silico prediction for this alteration is inconclusive. Based on the available evidence, the clinical significance of this alteration remains unclear.